The following is an entry in ClinVar:

ClinVar aggregate classification (germline): Uncertain significance (1 of 4 stars; one submission).

Submission:

GeneDx
Classification: Uncertain significance. Last evaluated: 2023-11-29. Review status: criteria provided, single submitter. Criteria: GeneDx Variant Classification Process June 2021. Collection method: clinical testing. Allele origin: germline. Affected: yes.
Comment: Not observed at significant frequency in large population cohorts (gnomAD); In silico analysis supports that this missense variant does not alter protein structure/function; Has not been previously published as pathogenic or benign to our knowledge

NM_057175.5(NAA15):c.2402C>A (p.Thr801Lys)

Gene: NAA15 (N-alpha-acetyltransferase 15, NatA auxiliary subunit; plus strand). Cytogenetic location: 4q31.1.
Variant type: single nucleotide variant.
Coding change: c.2402C>A on transcript NM_057175.5 (MANE Select); coding-DNA position 2402, C replaced by A.
Protein change: p.Thr801Lys; replaces threonine 801 with lysine.
Molecular consequence: missense variant.
Genome position (GRCh38, 1-based): chr4:139,387,885, C>A. VCF-style: chr4-139387885-C-A. GRCh37 (hg19) VCF-style: chr4-140309039-C-A.
Other names: c.2399C>A, p.Thr800Lys (NM_001410842.1); short protein forms T800K, T801K.
Identifiers: ClinVar variation 3364870 (VCV003364870.1).